The following is an entry in ClinVar:

ClinVar aggregate classification (germline): Uncertain significance (1 of 4 stars; one submission).

Conditions:
Long QT syndrome (LQTS). Identifiers: MedGen C0023976, MeSH D008133, MONDO:0002442. Disease mechanism: loss of function. Inheritance: Various modes of inheritance.

Submission:

Labcorp Genetics (formerly Invitae), Labcorp
Classification: Uncertain significance for Long QT syndrome. Last evaluated: 2025-11-08. Review status: criteria provided, single submitter. Criteria: Invitae Variant Classification Sherloc (09022015). Collection method: clinical testing. Allele origin: germline.
Comment: This sequence change replaces alanine, which is neutral and non-polar, with threonine, which is neutral and polar, at codon 303 of the KCNH2 protein (p.Ala303Thr). This variant is not present in population databases (gnomAD no frequency). This variant has not been reported in the literature in individuals affected with KCNH2-related conditions. An algorithm developed to predict the effect of missense changes on protein structure and function (PolyPhen-2) suggests that this variant is likely to be tolerated. In summary, the available evidence is currently insufficient to determine the role of this variant in disease. Therefore, it has been classified as a Variant of Uncertain Significance.

NM_000238.4(KCNH2):c.907G>A (p.Ala303Thr)

Gene: KCNH2 (potassium voltage-gated channel subfamily H member 2; minus strand). Cytogenetic location: 7q36.1.
Variant type: single nucleotide variant.
Coding change: c.907G>A on transcript NM_000238.4 (MANE Select); coding-DNA position 907, G replaced by A.
Protein change: p.Ala303Thr; replaces alanine 303 with threonine.
Molecular consequence: missense variant. On other transcripts: non-coding transcript variant (1).
Genome position (GRCh38, 1-based): chr7:150,958,068, C>T on the plus strand (G>A on the coding strand, the complement: KCNH2 is on the minus strand). VCF-style: chr7-150958068-C-T. GRCh37 (hg19) VCF-style: chr7-150655156-C-T.
Other names: c.619G>A, p.Ala207Thr (NM_001406753.1, NM_001406756.1); c.730G>A, p.Ala244Thr (NM_001406755.1); c.607G>A, p.Ala203Thr (NM_001406757.1); c.907G>A, p.Ala303Thr (NM_172056.3); short protein forms A203T, A207T, A244T, A303T.
Identifiers: ClinVar variation 4737191 (VCV004737191.1).